The following is an entry in ClinVar:

ClinVar aggregate classification (germline): Uncertain significance (1 of 4 stars; one submission).

Conditions:
Inborn genetic diseases. Identifiers: MedGen C0950123, MeSH D030342.

gnomAD v4.1: 1 of 1,614,072 alleles (0.000062%); highest among the groups gnomAD compares: Non-Finnish European, 0.000085%; no homozygotes.

Submission:

Ambry Genetics
Classification: Uncertain significance for Inborn genetic diseases. Last evaluated: 2025-05-02. Review status: criteria provided, single submitter. Criteria: Ambry Variant Classification Scheme 2023. Collection method: clinical testing. Allele origin: germline.
Comment: The p.L217V variant (also known as c.649C>G), located in coding exon 7 of the FANCA gene, results from a C to G substitution at nucleotide position 649. The leucine at codon 217 is replaced by valine, an amino acid with highly similar properties. This amino acid position is conserved. In addition, this alteration is predicted to be tolerated by in silico analysis. Based on the available evidence, the clinical significance of this variant remains unclear.

NM_000135.4(FANCA):c.649C>G (p.Leu217Val)

Gene: FANCA (FA complementation group A; minus strand). Cytogenetic location: 16q24.3.
Variant type: single nucleotide variant.
Coding change: c.649C>G on transcript NM_000135.4 (MANE Select); coding-DNA position 649, C replaced by G.
Protein change: p.Leu217Val; replaces leucine 217 with valine.
Molecular consequence: missense variant.
Genome position (GRCh38, 1-based): chr16:89,805,340, G>C on the plus strand (C>G on the coding strand, the complement: FANCA is on the minus strand). VCF-style: chr16-89805340-G-C. GRCh37 (hg19) VCF-style: chr16-89871748-G-C.
Other names: c.649C>G, p.Leu217Val (NM_001018112.3, NM_001286167.3); c.553C>G, p.Leu185Val (NM_001351830.2); short protein forms L217V, L185V.
Identifiers: ClinVar variation 4022229 (VCV004022229.1).